The following is an entry in ClinVar:

NM_001128840.3(CACNA1D):c.4696C>G (p.Leu1566Val)

Gene: CACNA1D (calcium voltage-gated channel subunit alpha1 D; plus strand). Cytogenetic location: 3p21.1.
Variant type: single nucleotide variant.
Coding change: c.4696C>G on transcript NM_001128840.3 (MANE Select); coding-DNA position 4696, C replaced by G.
Protein change: p.Leu1566Val; replaces leucine 1566 with valine.
Molecular consequence: missense variant.
Genome position (GRCh38, 1-based): chr3:53,781,571, C>G. VCF-style: chr3-53781571-C-G. GRCh37 (hg19) VCF-style: chr3-53815598-C-G.
Other names: c.4756C>G, p.Leu1586Val (NM_000720.4); c.4651C>G, p.Leu1551Val (NM_001128839.3); c.4756C>G (NM_000720.2, NM_000720.3); short protein forms L1586V, L1551V, L1566V.
Identifiers: ClinVar variation 499780 (VCV000499780.15), dbSNP rs1425930112, ClinGen allele CA353245761.

ClinVar aggregate classification (germline): Uncertain significance. Review status: criteria provided, multiple submitters, no conflicts (2 of 4 stars). 7 submissions from 7 submitters: Uncertain significance (7). Last evaluated 2025-11-21.

Conditions:
Inborn genetic diseases. Identifiers: MedGen C0950123, MeSH D030342.
CACNA1D-related disorder.

Allele frequency attached by ClinVar (database versions not stated): gnomAD 0.00002 and 0.00003; TOPMed 0.00005.
gnomAD v4.1: 4 of 1,611,816 alleles (0.00025%); highest among the groups gnomAD compares: Admixed American, 0.0033%; no homozygotes.

Submissions (7):

PreventionGenetics, part of Exact Sciences
Classification: Uncertain significance for CACNA1D-related condition. Last evaluated: 2025-11-21. Review status: criteria provided, single submitter. Criteria: ACMG Guidelines, 2015. Collection method: clinical testing. Allele origin: germline.
Comment: The CACNA1D c.4756C>G variant is predicted to result in the amino acid substitution p.Leu1586Val. To our knowledge, this variant has not been reported in the literature or in a large population database (gnomAD), indicating this variant is rare. At this time, the clinical significance of this variant is uncertain due to the absence of conclusive functional and genetic evidence.

Women's Health and Genetics/Laboratory Corporation of America, LabCorp
Classification: Uncertain significance. Last evaluated: 2025-11-06. Review status: criteria provided, single submitter. Criteria: LabCorp Variant Classification Summary - May 2015. Collection method: clinical testing. Allele origin: germline.
Comment: Variant summary: CACNA1D c.4756C>G (p.Leu1586Val) results in a conservative amino acid change in the encoded protein sequence. Algorithms developed to predict the effect of missense changes on protein structure and function are either unavailable or do not agree on the potential impact of this missense change. The variant was absent in 251442 control chromosomes. The available data on variant occurrences in the general population are insufficient to allow any conclusion about variant significance. To our knowledge, no occurrence of c.4756C>G in individuals affected with CACNA1D-related conditions and no experimental evidence demonstrating its impact on protein function have been reported. ClinVar contains an entry for this variant (Variation ID: 499780). Based on the evidence outlined above, the variant was classified as uncertain significance.

GeneDx
Classification: Uncertain significance. Last evaluated: 2025-09-10. Review status: criteria provided, single submitter. Criteria: GeneDx Variant Classification Process June 2021. Collection method: clinical testing. Allele origin: germline. Affected: yes.
Comment: Not observed at significant frequency in large population cohorts (gnomAD); In silico analysis supports that this missense variant has a deleterious effect on protein structure/function; Has not been previously published as pathogenic or benign to our knowledge

Ambry Genetics
Classification: Uncertain significance for Inborn genetic diseases. Last evaluated: 2025-08-14. Review status: criteria provided, single submitter. Criteria: Ambry Variant Classification Scheme 2023. Collection method: clinical testing. Allele origin: germline.

Labcorp Genetics (formerly Invitae), Labcorp
Classification: Uncertain significance. Last evaluated: 2023-04-05. Review status: criteria provided, single submitter. Criteria: Invitae Variant Classification Sherloc (09022015). Collection method: clinical testing. Allele origin: germline.
Comment: This variant is not present in population databases (gnomAD no frequency). This variant has not been reported in the literature in individuals affected with CACNA1D-related conditions. ClinVar contains an entry for this variant (Variation ID: 499780). Advanced modeling of protein sequence and biophysical properties (such as structural, functional, and spatial information, amino acid conservation, physicochemical variation, residue mobility, and thermodynamic stability) performed at Invitae indicates that this missense variant is not expected to disrupt CACNA1D protein function. In summary, the available evidence is currently insufficient to determine the role of this variant in disease. Therefore, it has been classified as a Variant of Uncertain Significance. This sequence change replaces leucine, which is neutral and non-polar, with valine, which is neutral and non-polar, at codon 1586 of the CACNA1D protein (p.Leu1586Val).

Blueprint Genetics
Classification: Uncertain significance. Last evaluated: 2023-03-10. Review status: criteria provided, single submitter. Criteria: ACMG Guidelines, 2015. Collection method: clinical testing. Allele origin: germline.

Eurofins Ntd Llc (ga)
Classification: Uncertain significance. Last evaluated: 2017-02-15. Review status: criteria provided, single submitter. Criteria: EGL Classification Definitions 2015. Collection method: clinical testing. Allele origin: germline. Observed: 1 variant allele, 1 heterozygote.